The following is an entry in ClinVar:

NM_018418.5(SPATA7):c.960dup (p.Pro321fs)

Gene: SPATA7 (spermatogenesis associated 7; plus strand). Cytogenetic location: 14q31.3.
Variant type: Duplication.
Coding change: c.960dup on transcript NM_018418.5 (MANE Select); coding-DNA position 960, one base duplicated (A; older notation c.960dupA).
Protein change: p.Pro321fs; shifts the reading frame from proline 321.
Molecular consequence: frameshift variant.
Genome position (GRCh38, 1-based): chr14:88,429,395, A duplicated. VCF-style (leftmost placement, unchanged base first): chr14-88429394-T-TA. GRCh37 (hg19) VCF-style: chr14-88895738-T-TA.
Other names: c.864dup, p.Pro289fs (NM_001040428.4); short protein forms P289fs, P321fs.
Identifiers: ClinVar variation 1396 (VCV000001396.18), dbSNP rs386834241, ClinGen allele CA339894.

ClinVar aggregate classification (germline): Pathogenic. Review status: criteria provided, multiple submitters, no conflicts (2 of 4 stars). 5 submissions from 5 submitters: Pathogenic (3). 2 of the submissions do not count toward it. Last evaluated 2026-04-22.

Conditions:
Paediatric disorders.
SPATA7-related disorder. Also called: SPATA7-related disorders; SPATA7-related condition. Identifiers: MedGen CN239422.
Leber congenital amaurosis 3 (LCA3). Also called: SPATA7-Related Retinitis Pigmentosa. Identifiers: MedGen C1858677, MONDO:0011415, OMIM 604232.

Allele frequency attached by ClinVar (database versions not stated): gnomAD below 0.00001 and 0.00001; gnomAD exomes below 0.00001 and 0.00001; ExAC 0.00001.

Submissions (5):

NHS Central & South Genomic Laboratory Hub
Classification: Pathogenic for Paediatric disorders. Last evaluated: 2026-04-22. Review status: criteria provided, single submitter. Criteria: ACMG Guidelines, 2015. Collection method: clinical testing. Allele origin: germline. Affected: yes.

Labcorp Genetics (formerly Invitae), Labcorp
Classification: Pathogenic for Leber congenital amaurosis 3. Last evaluated: 2025-04-07. Review status: criteria provided, single submitter. Criteria: Invitae Variant Classification Sherloc (09022015). Collection method: clinical testing. Allele origin: germline.
Comment: This sequence change creates a premature translational stop signal (p.Pro321Thrfs*6) in the SPATA7 gene. It is expected to result in an absent or disrupted protein product. Loss-of-function variants in SPATA7 are known to be pathogenic (PMID: 19268277, 22334370, 23847139, 26047050, 26261414). This variant is present in population databases (rs755925949, gnomAD 0.003%). This premature translational stop signal has been observed in individual(s) with Leber congenital amaurosis (PMID: 19268277). ClinVar contains an entry for this variant (Variation ID: 1396). For these reasons, this variant has been classified as Pathogenic.

Blueprint Genetics
Classification: Pathogenic for SPATA7-related disorders. Last evaluated: 2022-08-18. Review status: criteria provided, single submitter. Criteria: ACMG Guidelines, 2015. Collection method: clinical testing. Allele origin: germline. Affected: yes. Observed: 2 variant alleles.

OMIM
Classification: Pathogenic for LEBER CONGENITAL AMAUROSIS 3. Last evaluated: 2011-05-09. Review status: no assertion criteria provided. Collection method: literature only. Allele origin: germline. Not counted in ClinVar's aggregate classification.

GeneReviews
No classification provided. Condition: Leber congenital amaurosis 3. Review status: no classification provided. Collection method: literature only. Allele origin: unknown. Not counted in ClinVar's aggregate classification.

Literature cited by the submitters: PubMed 19268277 (cited by 3 submitters); PubMed 22334370 (cited by Labcorp Genetics (formerly Invitae), Labcorp); PubMed 23847139 (cited by Labcorp Genetics (formerly Invitae), Labcorp); PubMed 26047050 (cited by Labcorp Genetics (formerly Invitae), Labcorp); PubMed 26261414 (cited by Labcorp Genetics (formerly Invitae), Labcorp); PubMed 21310915 (cited by OMIM); PubMed 20301475 (cited by GeneReviews); NCBI Bookshelf NBK1298 (cited by GeneReviews).